The following is an entry in ClinVar:

NM_130797.4(DPP6):c.2330C>T (p.Ser777Phe)

Gene: DPP6 (dipeptidyl peptidase like 6; plus strand). Cytogenetic location: 7q36.2.
Variant type: single nucleotide variant.
Coding change: c.2330C>T on transcript NM_130797.4 (MANE Select); coding-DNA position 2330, C replaced by T.
Protein change: p.Ser777Phe; replaces serine 777 with phenylalanine.
Molecular consequence: missense variant. On other transcripts: non-coding transcript variant (2).
Genome position (GRCh38, 1-based): chr7:154,889,297, C>T. VCF-style: chr7-154889297-C-T. GRCh37 (hg19) VCF-style: chr7-154681007-C-T.
Other names: c.2138C>T, p.Ser713Phe (NM_001039350.3); c.2009C>T, p.Ser670Phe (NM_001290252.2); c.2147C>T, p.Ser716Phe (NM_001364497.2, NM_001364498.2, NM_001364499.2 and 1 more transcripts); c.2144C>T, p.Ser715Phe (NM_001936.5); short protein forms S670F, S713F, S715F, S716F, S777F.
Identifiers: ClinVar variation 4885032 (VCV004885032.2).

ClinVar aggregate classification (germline): Uncertain significance (1 of 4 stars; one submission).

Submission:

Dasa
Classification: Uncertain significance. Last evaluated: 2026-04-17. Review status: criteria provided, single submitter. Criteria: DASA Assertion Criteria. Collection method: clinical testing. Allele origin: germline.
Comment: NM_130797.4(DPP6):c.2330C>T (p.Ser777Phe) is a missense variant that results in the substitution of serine with phenylalanine. This variant is absent from population databases. The currently available literature and clinical evidence are not sufficient to establish a definitive association between this variant and the reported condition. Therefore, this variant is classified as a variant of uncertain significance.